The following is an entry in ClinVar:

ClinVar aggregate classification (germline): Pathogenic (1 of 4 stars; one submission).

Conditions:
Ehlers-Danlos syndrome, classic type, 1 (EDSCL1). Also called: EHLERS-DANLOS SYNDROME, GRAVIS TYPE; EHLERS-DANLOS SYNDROME, SEVERE CLASSIC TYPE; Ehlers-Danlos syndrome, type 1; Ehlers-Danlos Syndrome, Classic Type, COL5A1-Related; EDS I. Identifiers: MedGen C0268335, MONDO:0019567, OMIM 130000.
Osteogenesis imperfecta type I (OI1). Also called: OI, TYPE I; OSTEOGENESIS IMPERFECTA TARDA; OSTEOGENESIS IMPERFECTA WITH BLUE SCLERAE; Osteogenesis imperfecta type 1; Lobstein's Disease; Lobstein disease. Identifiers: Orphanet 216796, Orphanet 666, MedGen C0023931, MONDO:0008146, OMIM 166200. Disease mechanism: loss of function.

Submission:

Labcorp Genetics (formerly Invitae), Labcorp
Classification: Pathogenic for Osteogenesis imperfecta type I; Ehlers-Danlos syndrome, classic type, 1. Last evaluated: 2025-11-22. Review status: criteria provided, single submitter. Criteria: Invitae Variant Classification Sherloc (09022015). Collection method: clinical testing. Allele origin: germline.
Comment: This sequence change creates a premature translational stop signal (p.Leu1166Serfs*17) in the COL1A2 gene. It is expected to result in an absent or disrupted protein product. Loss-of-function variants in COL1A2 are known to be pathogenic (PMID: 11288717, 15077201). This variant is not present in population databases (gnomAD no frequency). This variant has not been reported in the literature in individuals affected with COL1A2-related conditions. For these reasons, this variant has been classified as Pathogenic.

Literature cited by the submitters: PubMed 11288717; PubMed 15077201.

NM_000089.4(COL1A2):c.3496_3497insCTCA (p.Leu1166fs)

Gene: COL1A2 (collagen type I alpha 2 chain; plus strand). Cytogenetic location: 7q21.3.
Variant type: Insertion.
Coding change: c.3496_3497insCTCA on transcript NM_000089.4 (MANE Select); coding-DNA positions 3496 to 3497, CTCA inserted.
Protein change: p.Leu1166fs; shifts the reading frame from leucine 1166.
Molecular consequence: frameshift variant.
Genome position: GRCh38 VCF-style: chr7-94427855-T-TCTCA. GRCh37 (hg19) VCF-style: chr7-94057167-T-TCTCA.
Other names: short protein forms L1166fs.
Identifiers: ClinVar variation 4784877 (VCV004784877.1).